The following is an entry in ClinVar:

ClinVar aggregate classification (germline): Conflicting classifications of pathogenicity. Review status: criteria provided, conflicting classifications (1 of 4 stars). 6 submissions from 4 submitters: Uncertain significance (5); Likely benign (1). Last evaluated 2025-12-03.

Conditions:
Arrhythmogenic cardiomyopathy with wooly hair and keratoderma. Also called: PALMOPLANTAR KERATODERMA WITH LEFT VENTRICULAR CARDIOMYOPATHY AND WOOLLY HAIR; Carvajal syndrome; Dilated cardiomyopathy with woolly hair and keratoderma; Arrhythmogenic cardiomyopathy with woolly hair and keratoderma. Identifiers: Orphanet 65282, MedGen C1854063, MONDO:0011581, OMIM 605676.
Arrhythmogenic right ventricular dysplasia 8 (ARVD8). Also called: ARRHYTHMOGENIC RIGHT VENTRICULAR DYSPLASIA, FAMILIAL, 8; ARRHYTHMOGENIC RIGHT VENTRICULAR CARDIOMYOPATHY 8; Arrhythmogenic Right Ventricular Dysplasia/Cardiomyopathy 8. Identifiers: MedGen C1843896, MONDO:0011831, OMIM 607450.
Cardiovascular phenotype. Identifiers: MedGen CN230736.
Lethal acantholytic epidermolysis bullosa (EBLA). Identifiers: Orphanet 158687, MedGen C1864826, MONDO:0012323, OMIM 609638.
Woolly hair-skin fragility syndrome (WHSF). Identifiers: Orphanet 293165, MedGen C1843292, MONDO:0957307, OMIM 620415.

Allele frequency attached by ClinVar (database versions not stated): gnomAD exomes below 0.00001 and 0.00001; gnomAD 0.00001; TOPMed 0.00001.
gnomAD v4.1: 10 of 1,614,062 alleles (0.00062%); highest among the groups gnomAD compares: Admixed American, 0.0017%; no homozygotes.

Submissions (6):

Labcorp Genetics (formerly Invitae), Labcorp
Classification: Likely benign for Arrhythmogenic cardiomyopathy with wooly hair and keratoderma; Arrhythmogenic right ventricular dysplasia 8. Last evaluated: 2025-12-03. Review status: criteria provided, single submitter. Criteria: Invitae Variant Classification Sherloc (09022015). Collection method: clinical testing. Allele origin: germline.

All of Us Research Program, National Institutes of Health
Classification: Uncertain significance for Arrhythmogenic cardiomyopathy with wooly hair and keratoderma. Last evaluated: 2024-08-06. Review status: criteria provided, single submitter. Criteria: ACMG Guidelines, 2015. Collection method: clinical testing. Allele origin: germline. Inheritance: Autosomal dominant inheritance. Observed: 2 variant alleles, 2 heterozygotes.
Comment: This missense variant replaces isoleucine with threonine at codon 2323 of the DSP protein. Computational prediction suggests that this variant may not impact protein structure and function. To our knowledge, functional studies have not been reported for this variant. This variant has not been reported in individuals affected with cardiovascular disorders in the literature. This variant has been identified in 1/251472 chromosomes in the general population by the Genome Aggregation Database (gnomAD). The available evidence is insufficient to determine the role of this variant in disease conclusively. Therefore, this variant is classified as a Variant of Uncertain Significance.

This study involves interpretation of variants in research participants for the purpose of population health screening. Participant phenotype was not available at the time of variant classification. Additional details can be found in publication PMID: 35346344, PMCID: PMC8962531

Ambry Genetics
Classification: Uncertain significance for Cardiovascular phenotype. Last evaluated: 2023-03-18. Review status: criteria provided, single submitter. Criteria: Ambry Variant Classification Scheme 2023. Collection method: clinical testing. Allele origin: germline.
Comment: The p.I2323T variant (also known as c.6968T>C), located in coding exon 24 of the DSP gene, results from a T to C substitution at nucleotide position 6968. The isoleucine at codon 2323 is replaced by threonine, an amino acid with similar properties. This alteration has been reported in a dilated cardiomyopathy (DCM) cohort; however, clinical details were limited (Mazzarotto F et al. Circulation, 2020 Feb;141:387-398). This amino acid position is not well conserved in available vertebrate species. In addition, the in silico prediction for this alteration is inconclusive. Since supporting evidence is limited at this time, the clinical significance of this alteration remains unclear.

Illumina Laboratory Services, Illumina
Classification: Uncertain significance for Lethal acantholytic epidermolysis bullosa. Last evaluated: 2018-01-13. Review status: criteria provided, single submitter. Criteria: ICSL Variant Classification Criteria 13 December 2019. Collection method: clinical testing. Allele origin: germline.

Illumina Laboratory Services, Illumina
Classification: Uncertain significance for Arrhythmogenic cardiomyopathy with wooly hair and keratoderma. Last evaluated: 2018-01-13. Review status: criteria provided, single submitter. Criteria: ICSL Variant Classification Criteria 13 December 2019. Collection method: clinical testing. Allele origin: germline.

Illumina Laboratory Services, Illumina
Classification: Uncertain significance for Arrhythmogenic right ventricular dysplasia 8. Last evaluated: 2018-01-13. Review status: criteria provided, single submitter. Criteria: ICSL Variant Classification Criteria 13 December 2019. Collection method: clinical testing. Allele origin: germline.

Literature cited by the submitters: PubMed 31983221 (cited by Ambry Genetics).

NM_004415.4(DSP):c.6968T>C (p.Ile2323Thr)

Gene: DSP (desmoplakin; plus strand). Cytogenetic location: 6p24.3.
Variant type: single nucleotide variant.
Coding change: c.6968T>C on transcript NM_004415.4 (MANE Select); coding-DNA position 6968, T replaced by C.
Protein change: p.Ile2323Thr; replaces isoleucine 2323 with threonine.
Molecular consequence: missense variant.
Genome position (GRCh38, 1-based): chr6:7,584,230, T>C. VCF-style: chr6-7584230-T-C. GRCh37 (hg19) VCF-style: chr6-7584463-T-C.
Other names: c.5171T>C, p.Ile1724Thr (NM_001008844.3); c.5639T>C, p.Ile1880Thr (NM_001319034.2); c.6968T>C (LRG_423t1); short protein forms I2323T, I1880T, I1724T.
Identifiers: ClinVar variation 357963 (VCV000357963.12), dbSNP rs777901747, ClinGen allele CA10627604.